The following is an entry in ClinVar:

ClinVar aggregate classification (germline): Benign/Likely benign. Review status: criteria provided, multiple submitters, no conflicts (2 of 4 stars). 7 submissions from 7 submitters: Benign (2); Likely benign (5). Last evaluated 2026-01-25.

Conditions:
Microcephalic osteodysplastic primordial dwarfism type II (MOPD2). Also called: Microcephalic osteodysplastic primordial dwarfism with tooth abnormalities; MOPD II; OSTEODYSPLASTIC PRIMORDIAL DWARFISM, TYPE II. Identifiers: Orphanet 2637, MedGen C0432246, MONDO:0008872, OMIM 210720.

Allele frequency attached by ClinVar (database versions not stated): 1000 Genomes Project 0.00220; 1000 Genomes Project 30x 0.00297; TOPMed 0.00339; ESP Exome Variant Server 0.00408.

Submissions (7):

Labcorp Genetics (formerly Invitae), Labcorp
Classification: Benign. Last evaluated: 2026-01-25. Review status: criteria provided, single submitter. Criteria: Invitae Variant Classification Sherloc (09022015). Collection method: clinical testing. Allele origin: germline.

ARUP Laboratories, Molecular Genetics and Genomics, ARUP Laboratories
Classification: Likely benign for Microcephalic osteodysplastic primordial dwarfism type II. Last evaluated: 2024-10-23. Review status: criteria provided, single submitter. Criteria: ARUP Molecular Germline Variant Investigation Process 2024. Collection method: clinical testing. Allele origin: germline.

Blueprint Genetics
Classification: Likely benign. Last evaluated: 2023-10-02. Review status: criteria provided, single submitter. Criteria: ACMG Guidelines, 2015. Collection method: clinical testing. Allele origin: germline.

CeGaT Center for Human Genetics Tuebingen
Classification: Likely benign. Last evaluated: 2023-01-01. Review status: criteria provided, single submitter. Criteria: CeGaT Center For Human Genetics Tuebingen Variant Classification Criteria Version 2. Collection method: clinical testing. Allele origin: germline. Affected: yes. Observed: 1 variant allele.
Comment: PCNT: BP4, BS1

GeneDx
Classification: Likely benign. Last evaluated: 2021-04-09. Review status: criteria provided, single submitter. Criteria: GeneDx Variant Classification Process June 2021. Collection method: clinical testing. Allele origin: germline. Affected: yes.

Genetic Services Laboratory, University of Chicago
Classification: Benign. Last evaluated: 2019-03-13. Review status: criteria provided, single submitter. Criteria: ACMG Guidelines, 2015. Collection method: clinical testing. Allele origin: germline. Affected: no.

Breakthrough Genomics
Classification: Likely benign. Review status: criteria provided, single submitter. Criteria: ACMG Guidelines, 2015. Collection method: not provided. Allele origin: germline. Inheritance: Autosomal recessive inheritance. Affected: yes.

NM_006031.6(PCNT):c.5253C>G (p.His1751Gln)

Gene: PCNT (pericentrin; plus strand). Cytogenetic location: 21q22.3.
Variant type: single nucleotide variant.
Coding change: c.5253C>G on transcript NM_006031.6 (MANE Select); coding-DNA position 5253, C replaced by G.
Protein change: p.His1751Gln; replaces histidine 1751 with glutamine.
Molecular consequence: missense variant.
Genome position (GRCh38, 1-based): chr21:46,411,326, C>G. VCF-style: chr21-46411326-C-G. GRCh37 (hg19) VCF-style: chr21-47831240-C-G.
Other names: c.4899C>G, p.His1633Gln (NM_001315529.2); short protein forms H1751Q, H1633Q.
Identifiers: ClinVar variation 378328 (VCV000378328.42), dbSNP rs114799541, ClinGen allele CA10079928.